The following is an entry in ClinVar:

NM_000083.3(CLCN1):c.783C>G (p.Tyr261Ter)

Gene: CLCN1 (chloride voltage-gated channel 1; plus strand). Cytogenetic location: 7q34.
Variant type: single nucleotide variant.
Coding change: c.783C>G on transcript NM_000083.3 (MANE Select); coding-DNA position 783, C replaced by G.
Protein change: p.Tyr261Ter; replaces tyrosine 261 with a stop codon.
Molecular consequence: nonsense. On other transcripts: non-coding transcript variant (1).
Genome position (GRCh38, 1-based): chr7:143,324,422, C>G. VCF-style: chr7-143324422-C-G. GRCh37 (hg19) VCF-style: chr7-143021515-C-G.
Other names: short protein forms Y261*.
Identifiers: ClinVar variation 2950433 (VCV002950433.3), dbSNP rs1285179667, ClinGen allele CA369687479.
Genomic context (GRCh38, chr7:143,324,422, plus strand): 5'-TGCCCACCTCCCTCTCTTCCACCTGTTTCTCTGTCTGTCTCTCCCCTAGTAGCAGCCATA[C>G]TACTACTCTGATATCCTGACGGTGGGCTGTGCTGTGGGAGTCGGCTGTTGTTTTGGGACA-3'

ClinVar aggregate classification (germline): Pathogenic (1 of 4 stars; one submission).

Conditions:
Congenital myotonia, autosomal dominant form (THD). Also called: THOMSEN DISEASE; Myotonia congenita autosomal dominant. Identifiers: Orphanet 614, MedGen C2936781, MONDO:0008055, OMIM 160800.
Congenital myotonia, autosomal recessive form. Also called: BECKER DISEASE; Becker Generalized Myotonia; myotonia congenita, autosomal recessive. Identifiers: Orphanet 614, MedGen C0751360, MONDO:0009715, OMIM 255700.

Allele frequency attached by ClinVar (database versions not stated): gnomAD exomes below 0.00001.
gnomAD v4.1: 2 of 1,613,612 alleles (0.00012%); no homozygotes.

Submission:

Labcorp Genetics (formerly Invitae), Labcorp
Classification: Pathogenic for Congenital myotonia, autosomal recessive form; Congenital myotonia, autosomal dominant form. Last evaluated: 2023-07-29. Review status: criteria provided, single submitter. Criteria: Invitae Variant Classification Sherloc (09022015). Collection method: clinical testing. Allele origin: germline.
Comment: For these reasons, this variant has been classified as Pathogenic. This variant has not been reported in the literature in individuals affected with CLCN1-related conditions. This variant is present in population databases (no rsID available, gnomAD 0.004%). This sequence change creates a premature translational stop signal (p.Tyr261*) in the CLCN1 gene. It is expected to result in an absent or disrupted protein product. Loss-of-function variants in CLCN1 are known to be pathogenic (PMID: 17932099, 22094069, 23739125).

Literature cited by the submitters: PubMed 17932099; PubMed 22094069; PubMed 23739125.